The following is an entry in ClinVar:

ClinVar aggregate classification (germline): Conflicting classifications of pathogenicity. Review status: criteria provided, conflicting classifications (1 of 4 stars). 7 submissions from 7 submitters: Uncertain significance (5); Benign (1); Likely benign (1). Last evaluated 2026-01-11.

Conditions:
Hereditary cancer-predisposing syndrome. Also called: Hereditary Cancer Syndrome; Tumor predisposition; Hereditary neoplastic syndrome; Neoplastic Syndromes, Hereditary. Identifiers: Orphanet 140162, MedGen C0027672, MeSH D009386, MONDO:0015356.
Tuberous sclerosis syndrome (TSC). Also called: Tuberous sclerosis; Tuberous Sclerosis Complex. Identifiers: Orphanet 805, MedGen C0041341, MONDO:0001734.
Tuberous sclerosis 1 (TSC1). Identifiers: Orphanet 805, MedGen C1854465, MONDO:0008612, OMIM 191100.

Allele frequency attached by ClinVar (database versions not stated): gnomAD exomes 0.00001.
gnomAD v4.1: 5 of 1,614,202 alleles (0.00031%); highest among the groups gnomAD compares: African/African-American, 0.0067%; no homozygotes.

Submissions (7):

Labcorp Genetics (formerly Invitae), Labcorp
Classification: Benign for Tuberous sclerosis 1. Last evaluated: 2026-01-11. Review status: criteria provided, single submitter. Criteria: Invitae Variant Classification Sherloc (09022015). Collection method: clinical testing. Allele origin: germline.

Ambry Genetics
Classification: Uncertain significance for Hereditary cancer-predisposing syndrome. Last evaluated: 2025-09-22. Review status: criteria provided, single submitter. Criteria: Ambry Variant Classification Scheme 2023. Collection method: clinical testing. Allele origin: germline.
Comment: The p.K976E variant (also known as c.2926A>G), located in coding exon 20 of the TSC1 gene, results from an A to G substitution at nucleotide position 2926. The lysine at codon 976 is replaced by glutamic acid, an amino acid with similar properties. This amino acid position is well conserved in available vertebrate species. In addition, this alteration is predicted to be tolerated by in silico analysis. Since supporting evidence is limited at this time, the clinical significance of this alteration remains unclear.

Color Diagnostics, LLC DBA Color Health
Classification: Uncertain significance for Tuberous sclerosis syndrome. Last evaluated: 2025-07-07. Review status: criteria provided, single submitter. Criteria: ACMG Guidelines, 2015. Collection method: clinical testing. Allele origin: germline.
Comment: This missense variant replaces lysine with glutamic acid at codon 976 of the TSC1 protein. Computational prediction suggests that this variant may not impact protein structure and function. To our knowledge, functional studies have not been reported for this variant. This variant has not been reported in individuals affected with TSC1-related disorders in the literature. This variant has not been identified in the general population by the Genome Aggregation Database (gnomAD). The available evidence is insufficient to determine the role of this variant in disease conclusively. Therefore, this variant is classified as a Variant of Uncertain Significance.

Women's Health and Genetics/Laboratory Corporation of America, LabCorp
Classification: Uncertain significance. Last evaluated: 2024-03-19. Review status: criteria provided, single submitter. Criteria: LabCorp Variant Classification Summary - May 2015. Collection method: clinical testing. Allele origin: germline.
Comment: Variant summary: TSC1 c.2926A>G (p.Lys976Glu) results in a conservative amino acid change in the encoded protein sequence. Five of five in-silico tools predict a benign effect of the variant on protein function. The variant was absent in 251472 control chromosomes. The available data on variant occurrences in the general population are insufficient to allow any conclusion about variant significance. To our knowledge, no occurrence of c.2926A>G in individuals affected with Tuberous Sclerosis Complex and no experimental evidence demonstrating its impact on protein function have been reported. ClinVar contains an entry for this variant (Variation ID: 207617). Based on the evidence outlined above, the variant was classified as uncertain significance.

Revvity Omics, Revvity
Classification: Uncertain significance. Last evaluated: 2023-05-19. Review status: criteria provided, single submitter. Criteria: ACMG Guidelines, 2015. Collection method: clinical testing. Allele origin: germline.

Genome-Nilou Lab
Classification: Uncertain significance for Tuberous sclerosis 1. Last evaluated: 2021-11-07. Review status: criteria provided, single submitter. Criteria: ACMG Guidelines, 2015. Collection method: clinical testing. Allele origin: germline. Affected: no.

GeneDx
Classification: Likely benign. Last evaluated: 2017-12-05. Review status: criteria provided, single submitter. Criteria: GeneDx Variant Classification (06012015). Collection method: clinical testing. Allele origin: germline. Affected: yes.
Comment: This variant is considered likely benign or benign based on one or more of the following criteria: it is a conservative change, it occurs at a poorly conserved position in the protein, it is predicted to be benign by multiple in silico algorithms, and/or has population frequency not consistent with disease.

NM_000368.5(TSC1):c.2926A>G (p.Lys976Glu)

Gene: TSC1 (TSC complex subunit 1; minus strand). Cytogenetic location: 9q34.13.
Variant type: single nucleotide variant.
Coding change: c.2926A>G on transcript NM_000368.5 (MANE Select); coding-DNA position 2926, A replaced by G.
Protein change: p.Lys976Glu; replaces lysine 976 with glutamic acid.
Molecular consequence: missense variant.
Genome position (GRCh38, 1-based): chr9:132,897,233, T>C on the plus strand (A>G on the coding strand, the complement: TSC1 is on the minus strand). VCF-style: chr9-132897233-T-C. GRCh37 (hg19) VCF-style: chr9-135772620-T-C.
Other names: p.K976E:AAA>GAA; c.2923A>G, p.Lys975Glu (NM_001162426.2); c.2773A>G, p.Lys925Glu (NM_001162427.2); c.2563A>G, p.Lys855Glu (NM_001362177.2); short protein forms K976E, K925E, K855E, K975E.
Identifiers: ClinVar variation 207617 (VCV000207617.24), dbSNP rs796053448, ClinGen allele CA319252.